The following is an entry in ClinVar:

NM_006648.4(WNK2):c.5693A>G (p.Gln1898Arg)

Gene: WNK2 (WNK lysine deficient protein kinase 2; plus strand). Cytogenetic location: 9q22.31.
Variant type: single nucleotide variant.
Coding change: c.5693A>G on transcript NM_006648.4 (MANE Select); coding-DNA position 5693, A replaced by G.
Protein change: p.Gln1898Arg; replaces glutamine 1898 with arginine.
Molecular consequence: missense variant.
Genome position (GRCh38, 1-based): chr9:93,293,158, A>G. VCF-style: chr9-93293158-A-G. GRCh37 (hg19) VCF-style: chr9-96055440-A-G.
Other names: c.5804A>G, p.Gln1935Arg (NM_001282394.3); short protein forms Q1935R, Q1898R.
Identifiers: ClinVar variation 3470144 (VCV003470144.1).

ClinVar aggregate classification (germline): Uncertain significance (1 of 4 stars; one submission).

gnomAD v4.1: 1 of 1,530,962 alleles (0.000065%); highest among the groups gnomAD compares: South Asian, 0.0013%; no homozygotes.

Submission:

Ambry Genetics
Classification: Uncertain significance. Last evaluated: 2024-11-17. Review status: criteria provided, single submitter. Criteria: Ambry Variant Classification Scheme 2023. Collection method: clinical testing. Allele origin: germline.
Comment: The p.Q1898R variant (also known as c.5693A>G), located in coding exon 22 of the WNK2 gene, results from an A to G substitution at nucleotide position 5693. The glutamine at codon 1898 is replaced by arginine, an amino acid with highly similar properties. This amino acid position is conserved. In addition, this alteration is predicted to be tolerated by in silico analysis. Based on the available evidence, the clinical significance of this variant remains unclear.